The following is an entry in ClinVar:

ClinVar aggregate classification (germline): Likely benign. Review status: criteria provided, multiple submitters, no conflicts (2 of 4 stars). 2 submissions from 2 submitters: Likely benign (2). Last evaluated 2025-09-08.

Conditions:
Diffuse cerebral and cerebellar atrophy - intractable seizures - progressive microcephaly syndrome. Also called: Microcephaly, progressive, with seizures and cerebral and cerebellar atrophy. Identifiers: Orphanet 404437, MedGen C4014239, MONDO:0014335, OMIM 615760.

Allele frequency attached by ClinVar (database versions not stated): ExAC 0.00001; gnomAD exomes 0.00001; TOPMed 0.00002.

Submissions (2):

Labcorp Genetics (formerly Invitae), Labcorp
Classification: Likely benign for Diffuse cerebral and cerebellar atrophy - intractable seizures - progressive microcephaly syndrome. Last evaluated: 2025-09-08. Review status: criteria provided, single submitter. Criteria: Invitae Variant Classification Sherloc (09022015). Collection method: clinical testing. Allele origin: germline.

GeneDx
Classification: Likely benign. Last evaluated: 2017-02-17. Review status: criteria provided, single submitter. Criteria: GeneDx Variant Classification (06012015). Collection method: clinical testing. Allele origin: germline. Affected: yes.
Comment: This variant is considered likely benign or benign based on one or more of the following criteria: it is a conservative change, it occurs at a poorly conserved position in the protein, it is predicted to be benign by multiple in silico algorithms, and/or has population frequency not consistent with disease.

NM_005051.3(QARS1):c.1957-14C>T

Gene: QARS1 (glutaminyl-tRNA synthetase 1; minus strand). Cytogenetic location: 3p21.31.
Variant type: single nucleotide variant.
Coding change: c.1957-14C>T on transcript NM_005051.3 (MANE Select); 14 bases into the intron before coding-DNA position 1957, C replaced by T.
Molecular consequence: intron variant.
Genome position (GRCh38, 1-based): chr3:49,098,494, G>A on the plus strand (C>T on the coding strand, the complement: QARS1 is on the minus strand). VCF-style: chr3-49098494-G-A. GRCh37 (hg19) VCF-style: chr3-49135927-G-A.
Other names: c.1924-14C>T (NM_001272073.2).
Identifiers: ClinVar variation 517760 (VCV000517760.47), dbSNP rs751375938, ClinGen allele CA2391570.